The following is an entry in ClinVar:

NM_014874.4(MFN2):c.708G>A (p.Thr236=)

Gene: MFN2 (mitofusin 2; plus strand). Cytogenetic location: 1p36.22.
Variant type: single nucleotide variant.
Coding change: c.708G>A on transcript NM_014874.4 (MANE Select); coding-DNA position 708, G replaced by A.
Protein change: p.Thr236=; no amino-acid change (threonine 236 retained).
Molecular consequence: synonymous variant.
Genome position (GRCh38, 1-based): chr1:11,998,878, G>A. VCF-style: chr1-11998878-G-A. GRCh37 (hg19) VCF-style: chr1-12058935-G-A.
Other names: c.708G>A, p.Thr236= (NM_001127660.2).
Identifiers: ClinVar variation 631564 (VCV000631564.13), dbSNP rs1557524867, ClinGen allele CA416363870.

ClinVar aggregate classification (germline): Uncertain significance. Review status: criteria provided, multiple submitters, no conflicts (2 of 4 stars). 3 submissions from 3 submitters: Uncertain significance (2). 1 of the submissions does not count toward it. Last evaluated 2022-08-10.

Conditions:
Charcot-Marie-Tooth disease. Also called: Charcot-Marie-Tooth Hereditary Neuropathy; Charcot-Marie-Tooth Neuropathy. Identifiers: Orphanet 166, MedGen C0007959, MONDO:0015626.
Charcot-Marie-Tooth disease type 2. Also called: Charcot-Marie-Tooth type 2. Identifiers: Orphanet 64746, MedGen C0270914, MONDO:0018993.

Allele frequency attached by ClinVar (database versions not stated): gnomAD exomes below 0.00001; TOPMed below 0.00001.
gnomAD v4.1: 2 of 1,614,094 alleles (0.00012%); no homozygotes.

Submissions (3):

Labcorp Genetics (formerly Invitae), Labcorp
Classification: Uncertain significance for Charcot-Marie-Tooth disease type 2. Last evaluated: 2022-08-10. Review status: criteria provided, single submitter. Criteria: Invitae Variant Classification Sherloc (09022015). Collection method: clinical testing. Allele origin: germline.
Comment: This sequence change affects codon 236 of the MFN2 mRNA. It is a 'silent' change, meaning that it does not change the encoded amino acid sequence of the MFN2 protein. This variant also falls at the last nucleotide of exon 7, which is part of the consensus splice site for this exon. In summary, the available evidence is currently insufficient to determine the role of this variant in disease. Therefore, it has been classified as a Variant of Uncertain Significance. Variants that disrupt the consensus splice site are a relatively common cause of aberrant splicing (PMID: 17576681, 9536098). Studies have shown that this variant is associated with altered splicing resulting in unknown protein product impact (PMID: 24530046). ClinVar contains an entry for this variant (Variation ID: 631564). This variant has been observed in individual(s) with Charcot-Marie-Tooth disease type 2 (PMID: 24530046). This variant is not present in population databases (gnomAD no frequency).

Blueprint Genetics
Classification: Uncertain significance. Last evaluated: 2020-12-13. Review status: criteria provided, single submitter. Criteria: ACMG Guidelines, 2015. Collection method: clinical testing. Allele origin: germline.

Inherited Neuropathy Consortium
Classification: Uncertain significance for Charcot-Marie-Tooth disease. Review status: no assertion criteria provided. Collection method: literature only. Allele origin: germline. Affected: yes. Not counted in ClinVar's aggregate classification.

Literature cited by the submitters: PubMed 17576681 (cited by Labcorp Genetics (formerly Invitae), Labcorp); PubMed 9536098 (cited by Labcorp Genetics (formerly Invitae), Labcorp); PubMed 24530046 (cited by Labcorp Genetics (formerly Invitae), Labcorp and Inherited Neuropathy Consortium).